The following is an entry in ClinVar:

NM_144573.4(NEXN):c.1388T>C (p.Ile463Thr)

Gene: NEXN (nexilin F-actin binding protein; plus strand). Cytogenetic location: 1p31.1.
Variant type: single nucleotide variant.
Coding change: c.1388T>C on transcript NM_144573.4 (MANE Select); coding-DNA position 1388, T replaced by C.
Protein change: p.Ile463Thr; replaces isoleucine 463 with threonine.
Molecular consequence: missense variant.
Genome position (GRCh38, 1-based): chr1:77,935,959, T>C. VCF-style: chr1-77935959-T-C. GRCh37 (hg19) VCF-style: chr1-78401644-T-C.
Other names: c.1196T>C, p.Ile399Thr (NM_001172309.2); short protein forms I399T, I463T.
Identifiers: ClinVar variation 3229165 (VCV003229165.1), dbSNP rs756141582, ClinGen allele CA918868.

ClinVar aggregate classification (germline): Uncertain significance (1 of 4 stars; one submission).

Conditions:
Cardiovascular phenotype. Identifiers: MedGen CN230736.

Allele frequency attached by ClinVar (database versions not stated): ExAC 0.00001; gnomAD 0.00001; gnomAD exomes 0.00001; TOPMed 0.00001.
gnomAD v4.1: 8 of 1,613,410 alleles (0.0005%); highest among the groups gnomAD compares: East Asian, 0.0067%; no homozygotes.

Submission:

Ambry Genetics
Classification: Uncertain significance for Cardiovascular phenotype. Last evaluated: 2023-01-16. Review status: criteria provided, single submitter. Criteria: Ambry Variant Classification Scheme 2023. Collection method: clinical testing. Allele origin: germline.
Comment: The p.I463T variant (also known as c.1388T>C), located in coding exon 10 of the NEXN gene, results from a T to C substitution at nucleotide position 1388. The isoleucine at codon 463 is replaced by threonine, an amino acid with similar properties. This amino acid position is conserved. In addition, the in silico prediction for this alteration is inconclusive. Since supporting evidence is limited at this time, the clinical significance of this alteration remains unclear.